The following is an entry in ClinVar:

ClinVar aggregate classification (germline): Pathogenic/Likely pathogenic. Review status: criteria provided, multiple submitters, no conflicts (2 of 4 stars). 3 submissions from 3 submitters: Pathogenic (2); Likely pathogenic (1). Last evaluated 2025-06-16.

Conditions:
Hereditary breast ovarian cancer syndrome. Also called: BRCA1- and BRCA2-Associated Hereditary Breast and Ovarian Cancer; Hereditary breast and ovarian cancer syndrome; Hereditary breast and/or ovarian cancer syndrome; Hereditary breast and ovarian cancer; Hereditary breast and ovarian cancer syndrome (HBOC); Breast and ovarian cancer. Identifiers: Orphanet 145, MedGen C0677776, MeSH D061325, MONDO:0003582. Disease mechanism: loss of function.
Hereditary cancer-predisposing syndrome. Also called: Tumor predisposition; Neoplastic Syndromes, Hereditary; Hereditary Cancer Syndrome; Hereditary neoplastic syndrome. Identifiers: Orphanet 140162, MedGen C0027672, MeSH D009386, MONDO:0015356.

Submissions (3):

Ambry Genetics
Classification: Likely pathogenic for Hereditary cancer-predisposing syndrome. Last evaluated: 2025-06-16. Review status: criteria provided, single submitter. Criteria: Ambry Variant Classification Scheme 2023. Collection method: clinical testing. Allele origin: germline.
Comment: The c.3407_3408insALU variant results from the insertion of an Alu element between nucleotides c.3407 and c.3408 in coding exon 10 of the BRCA2 gene. Mobile element insertions contribute to pathogenicity by either disrupting the coding sequence or inducing aberrant splicing (Belancio VP et al. Semin. Cancer Biol. 2010 Aug;20:200-10; Deininger P et al. Genome Biol. 2011 Dec;12:236; van der Klift HM Hum Mutat. 2012 Jul;33(7):1051-5). Based on the majority of available evidence to date, this variant is likely to be pathogenic.

Labcorp Genetics (formerly Invitae), Labcorp
Classification: Pathogenic for Hereditary breast and ovarian cancer syndrome. Last evaluated: 2019-10-02. Review status: criteria provided, single submitter. Criteria: Invitae Variant Classification Sherloc (09022015). Collection method: clinical testing. Allele origin: germline.
Comment: This sequence change inserts a large fragment of DNA, likely a transposable element, in exon 11 of the BRCA2 gene (c.3407_3408insAlu), causing a frameshift at codon 1136 (p.Ile1136fs). The exact size and sequence of the insertion cannot be determined by the current assay. However, the insertion is expected to result in an absent or disrupted protein product. This variant has not been reported in the literature in individuals with BRCA2-related conditions. Retrotransposon insertions including LINE1 (L1), Alu, and SVA (SINE-VNTR-Alu) have been reported to be disease-causing through disruption of either a coding region or splice site (PMID: 19763152, 20307669, 22406018) and loss-of-function variants in BRCA2 are known to be pathogenic (PMID: 20104584). For these reasons, this variant has been classified as Pathogenic.

GeneDx
Classification: Pathogenic. Last evaluated: 2019-07-24. Review status: criteria provided, single submitter. Criteria: GeneDx Variant Classification (06012015). Collection method: clinical testing. Allele origin: germline. Affected: yes.
Comment: This is an approximately 300-base pair Alu motif insertion in the BRCA2 gene denoted c.3407_3408insAlu. The size of this Alu insertion is an estimate as the extensive polyA tract at the end of the Alu motif prevents making an exact determination. This variant is predicted to cause loss of normal protein function through either protein truncation or nonsense-mediated mRNA decay, and has been identified in several individuals with breast, ovarian, or pancreatic cancer (Qian et al., 2017; Chaffee et al., 2018). Based on currently available evidence, we consider BRCA2 c.3407_3408insAlu to be a pathogenic variant.

Literature cited by the submitters: PubMed 19763152 (cited by Labcorp Genetics (formerly Invitae), Labcorp); PubMed 20104584 (cited by Labcorp Genetics (formerly Invitae), Labcorp); PubMed 20307669 (cited by Labcorp Genetics (formerly Invitae), Labcorp); PubMed 22406018 (cited by Labcorp Genetics (formerly Invitae), Labcorp).

NC_000013.10:g.32911899_32911900insAlu

Gene: BRCA2 (BRCA2 DNA repair associated; plus strand). Cytogenetic location: 13q13.1.
Variant type: Insertion.
Other names: NM_000059.3:c.3407_3408insAlu.
Identifiers: ClinVar variation 800654 (VCV000800654.7).